The following is an entry in ClinVar:

NM_001040142.2(SCN2A):c.2021C>A (p.Thr674Lys)

Gene: SCN2A (sodium voltage-gated channel alpha subunit 2; plus strand). Cytogenetic location: 2q24.3.
Variant type: single nucleotide variant.
Coding change: c.2021C>A on transcript NM_001040142.2 (MANE Select); coding-DNA position 2021, C replaced by A.
Protein change: p.Thr674Lys; replaces threonine 674 with lysine.
Molecular consequence: missense variant.
Genome position (GRCh38, 1-based): chr2:165,326,856, C>A. VCF-style: chr2-165326856-C-A. GRCh37 (hg19) VCF-style: chr2-166183366-C-A.
Other names: c.2021C>A, p.Thr674Lys (NM_001371246.1, NM_001371247.1, NM_021007.3 and 1 more transcripts); short protein forms T674K.
Identifiers: ClinVar variation 862884 (VCV000862884.12), dbSNP rs1698384021, ClinGen allele CA349028926.

ClinVar aggregate classification (germline): Uncertain significance. Review status: criteria provided, multiple submitters, no conflicts (2 of 4 stars). 3 submissions from 3 submitters: Uncertain significance (3). Last evaluated 2025-05-17.

Conditions:
Seizures, benign familial infantile, 3 (BFIS3). Also called: Familial neonatal seizures; CONVULSIONS, BENIGN FAMILIAL INFANTILE, 3. Identifiers: Orphanet 140927, Orphanet 306, MedGen C1843140, MONDO:0011904, OMIM 607745.
Developmental and epileptic encephalopathy, 11 (DEE11). Also called: Early infantile epileptic encephalopathy 11. Identifiers: Orphanet 1934, MedGen C3150987, MONDO:0013388, OMIM 613721.
Episodic ataxia, type 9. Identifiers: MedGen C5394520, MONDO:0030064, OMIM 618924.

Allele frequency attached by ClinVar (database versions not stated): gnomAD exomes below 0.00001; gnomAD 0.00001.
gnomAD v4.1: 3 of 1,613,724 alleles (0.00019%); highest among the groups gnomAD compares: Middle Eastern, 0.016%; no homozygotes.

Submissions (3):

Labcorp Genetics (formerly Invitae), Labcorp
Classification: Uncertain significance for Seizures, benign familial infantile, 3; Developmental and epileptic encephalopathy, 11. Last evaluated: 2025-05-17. Review status: criteria provided, single submitter. Criteria: Invitae Variant Classification Sherloc (09022015). Collection method: clinical testing. Allele origin: germline.
Comment: This sequence change replaces threonine, which is neutral and polar, with lysine, which is basic and polar, at codon 674 of the SCN2A protein (p.Thr674Lys). This variant is not present in population databases (gnomAD no frequency). This missense change has been observed in individual(s) with autism spectrum disorder (PMID: 26637798). This missense change has been observed in at least one individual who was not affected with SCN2A-related conditions (internal data). ClinVar contains an entry for this variant (Variation ID: 862884). Invitae Evidence Modeling of protein sequence and biophysical properties (such as structural, functional, and spatial information, amino acid conservation, physicochemical variation, residue mobility, and thermodynamic stability) has been performed for this missense variant. However, the output from this modeling did not meet the statistical confidence thresholds required to predict the impact of this variant on SCN2A protein function. In summary, the available evidence is currently insufficient to determine the role of this variant in disease. Therefore, it has been classified as a Variant of Uncertain Significance.

Genomic Medicine Center of Excellence, King Faisal Specialist Hospital and Research Centre
Classification: Uncertain significance for Episodic ataxia, type 9. Last evaluated: 2024-04-04. Review status: criteria provided, single submitter. Criteria: ACMG Guidelines, 2015. Collection method: clinical testing. Allele origin: germline.

GeneDx
Classification: Uncertain significance. Last evaluated: 2021-05-05. Review status: criteria provided, single submitter. Criteria: GeneDx Variant Classification Process June 2021. Collection method: clinical testing. Allele origin: germline. Affected: yes.
Comment: Reported previously in an individual with autism, but additional clinical information was not provided (D'Gama et al., 2015); Missense variants in this gene are often considered pathogenic (Stenson et al., 2014); Not observed at a significant frequency in large population cohorts (Lek et al., 2016); In silico analysis supports that this missense variant has a deleterious effect on protein structure/function; This substitution is predicted to be in the cytoplasmic loop between the first and second homologous domains; This variant is associated with the following publications: (PMID: 26637798)

Literature cited by the submitters: PubMed 26637798 (cited by Labcorp Genetics (formerly Invitae), Labcorp).